The following is an entry in ClinVar:

ClinVar aggregate classification (germline): Uncertain significance (1 of 4 stars; one submission).

Conditions:
Hereditary cancer-predisposing syndrome. Also called: Neoplastic Syndromes, Hereditary; Tumor predisposition; Hereditary neoplastic syndrome; Hereditary Cancer Syndrome. Identifiers: Orphanet 140162, MedGen C0027672, MeSH D009386, MONDO:0015356.

Submission:

Ambry Genetics
Classification: Uncertain significance for Hereditary cancer-predisposing syndrome. Last evaluated: 2025-07-11. Review status: criteria provided, single submitter. Criteria: Ambry Variant Classification Scheme 2023. Collection method: clinical testing. Allele origin: germline.
Comment: The c.190_192delCAG variant (also known as p.Q64del) is located in coding exon 1 of the PTCH1 gene. This variant results from an in-frame CAG deletion at nucleotide positions 190 to 192. This results in the in-frame deletion of a glutamine at codon 64. This amino acid position is highly conserved in available vertebrate species. In addition, this alteration is predicted to be deleterious by in silico analysis (Choi Y et al. PLoS ONE. 2012; 7(10):e46688). Based on the available evidence, the clinical significance of this variant remains unclear.

NM_000264.5(PTCH1):c.190_192del (p.Gln64del)

Gene: PTCH1 (patched 1; minus strand). Cytogenetic location: 9q22.32.
Variant type: Deletion.
Coding change: c.190_192del on transcript NM_000264.5 (MANE Select); coding-DNA positions 190 to 192, 3 bases deleted (CAG; older notation c.190_192delCAG).
Protein change: p.Gln64del; deletes glutamine 64.
Molecular consequence: inframe deletion. On other transcripts: non-coding transcript variant (1), intron variant (3), inframe indel (1).
Genome position (GRCh38, 1-based): chr9:95,508,170-95,508,172, CTG deleted on the plus strand (CAG on the coding strand, the reverse complement: PTCH1 is on the minus strand); deleting any 3 consecutive bases within chr9:95,508,170-95,508,174 gives the same sequence; the c. name uses the placement nearest the transcript's 3' end. VCF-style (leftmost placement, unchanged base first): chr9-95508169-TCTG-T. GRCh37 (hg19) VCF-style: chr9-98270451-TCTG-T.
Other names: c.190_192del, p.Gln64del (NM_001354918.2); c.199-1573_199-1571del (NM_001083603.3); c.4-1573_4-1571del (NM_001083602.3, NM_001354919.2); c.190_192delCAG (NM_000264.3); short protein forms Q64del.
Identifiers: ClinVar variation 2449659 (VCV002449659.3), dbSNP rs2538402685, ClinGen allele CA2579389359.